The following is an entry in ClinVar:

ClinVar aggregate classification (germline): Uncertain significance. Review status: criteria provided, multiple submitters, no conflicts (2 of 4 stars). 2 submissions from 2 submitters: Uncertain significance (2). Last evaluated 2025-11-20.

Conditions:
Inborn genetic diseases. Identifiers: MedGen C0950123, MeSH D030342.
Acute myeloid leukemia (AML). Also called: Leukemia, acute myeloid, somatic; Leukemia, acute myelogenous, somatic; Acute myeloid leukemia, adult; AML adult; Acute non-lymphocytic leukemia; Acute granulocytic leukemia. Identifiers: Orphanet 519, MedGen C0023467, MeSH D015470, MONDO:0018874, OMIM 601626, HP:0004808. Disease mechanism: Constitutively activated FLT3.

Submissions (2):

Ambry Genetics
Classification: Uncertain significance for Inborn genetic diseases. Last evaluated: 2025-11-20. Review status: criteria provided, single submitter. Criteria: Ambry Variant Classification Scheme 2023. Collection method: clinical testing. Allele origin: germline.
Comment: The c.964_965delGAinsAT variant (also known as p.D322I), located in coding exon 1 of the CEBPA gene, results from an in-frame deletion of GA and insertion of AT at nucleotide positions 964 to 965. This results in the substitution of the aspartic acid residue for an isoleucine residue at codon 322, an amino acid with highly dissimilar properties. This amino acid position is well conserved in available vertebrate species. In addition, this variant is predicted to be deleterious by in silico analysis (Choi Y et al. PLoS ONE. 2012; 7(10):e46688). Based on the available evidence, the clinical significance of this variant remains unclear.

Labcorp Genetics (formerly Invitae), Labcorp
Classification: Uncertain significance for Acute myeloid leukemia. Last evaluated: 2022-08-23. Review status: criteria provided, single submitter. Criteria: Invitae Variant Classification Sherloc (09022015). Collection method: clinical testing. Allele origin: germline.
Comment: ClinVar contains an entry for this variant (Variation ID: 1360845). This variant has not been reported in the literature in individuals affected with CEBPA-related conditions. Information on the frequency of this variant in the gnomAD database is not available, as this variant may be reported differently in the database. This sequence change replaces aspartic acid, which is acidic and polar, with isoleucine, which is neutral and non-polar, at codon 322 of the CEBPA protein (p.Asp322Ile). Algorithms developed to predict the effect of missense changes on protein structure and function are either unavailable or do not agree on the potential impact of this missense change (SIFT: "Not Available"; PolyPhen-2: "Probably Damaging"; Align-GVGD: "Not Available"). In summary, the available evidence is currently insufficient to determine the role of this variant in disease. Therefore, it has been classified as a Variant of Uncertain Significance.

NM_004364.5(CEBPA):c.964_965delinsAT (p.Asp322Ile)

Gene: CEBPA (CCAAT enhancer binding protein alpha; minus strand). Cytogenetic location: 19q13.11.
Variant type: Indel.
Coding change: c.964_965delinsAT on transcript NM_004364.5 (MANE Select); coding-DNA positions 964 to 965, GA replaced by AT.
Protein change: p.Asp322Ile; replaces aspartic acid 322 with isoleucine.
Molecular consequence: missense variant.
Genome position (GRCh38, 1-based): chr19:33,301,450-33,301,451, TC replaced by AT on the plus strand (GA replaced by AT on the coding strand, the reverse complement: CEBPA is on the minus strand). VCF-style: chr19-33301450-TC-AT. GRCh37 (hg19) VCF-style: chr19-33792356-TC-AT.
Other names: c.607_608delinsAT, p.Asp203Ile (NM_001285829.2); c.1069_1070delinsAT, p.Asp357Ile (NM_001287424.2); c.922_923delinsAT, p.Asp308Ile (NM_001287435.2); c.964_965delGAinsAT (NM_004364.3); short protein forms D308I, D357I, D322I, D203I.
Identifiers: ClinVar variation 1360845 (VCV001360845.9), dbSNP rs2145258643, ClinGen allele CA2573156209.